The following is an entry in ClinVar:

NM_174916.3(UBR1):c.3724A>G (p.Arg1242Gly)

Gene: UBR1 (ubiquitin protein ligase E3 component n-recognin 1; minus strand). Cytogenetic location: 15q15.2.
Variant type: single nucleotide variant.
Coding change: c.3724A>G on transcript NM_174916.3 (MANE Select); coding-DNA position 3724, A replaced by G.
Protein change: p.Arg1242Gly; replaces arginine 1242 with glycine.
Molecular consequence: missense variant.
Genome position (GRCh38, 1-based): chr15:42,998,201, T>C on the plus strand (A>G on the coding strand, the complement: UBR1 is on the minus strand). VCF-style: chr15-42998201-T-C. GRCh37 (hg19) VCF-style: chr15-43290399-T-C.
Other names: short protein forms R1242G.
Identifiers: ClinVar variation 3366350 (VCV003366350.1).

ClinVar aggregate classification (germline): Uncertain significance (1 of 4 stars; one submission).

Submission:

Women's Health and Genetics/Laboratory Corporation of America, LabCorp
Classification: Uncertain significance. Last evaluated: 2024-08-09. Review status: criteria provided, single submitter. Criteria: LabCorp Variant Classification Summary - May 2015. Collection method: clinical testing. Allele origin: germline.
Comment: Variant summary: UBR1 c.3724A>G (p.Arg1242Gly) results in a non-conservative amino acid change in the encoded protein sequence. Three of five in-silico tools predict a damaging effect of the variant on protein function. The variant allele was found at a frequency of 4e-06 in 251348 control chromosomes (gnomAD). The available data on variant occurrences in the general population are insufficient to allow any conclusion about variant significance. c.3724A>G has been reported in the literature in an individual affected with Johanson-Blizzard Syndrome (Sukalo_2014). These data do not allow any conclusion about variant significance. To our knowledge, no experimental evidence demonstrating an impact on protein function has been reported. The following publication has been ascertained in the context of this evaluation (PMID: 24599544). No submitters have cited clinical-significance assessments for this variant to ClinVar. Based on the evidence outlined above, the variant was classified as uncertain significance.

Literature cited by the submitters: PubMed 24599544.